The following is an entry in ClinVar:

ClinVar aggregate classification (germline): Uncertain significance (1 of 4 stars; one submission).

gnomAD v4.1: 10 of 1,599,048 alleles (0.00063%); highest among the groups gnomAD compares: Non-Finnish European, 0.00085%; no homozygotes.

Submission:

GeneDx
Classification: Uncertain significance. Last evaluated: 2024-02-05. Review status: criteria provided, single submitter. Criteria: GeneDx Variant Classification Process June 2021. Collection method: clinical testing. Allele origin: germline. Affected: yes.
Comment: Not observed at significant frequency in large population cohorts (gnomAD); In silico analysis supports that this missense variant has a deleterious effect on protein structure/function; Has not been previously published as pathogenic or benign to our knowledge

NM_003235.5(TG):c.58A>T (p.Asn20Tyr)

Gene: TG (thyroglobulin; plus strand). Cytogenetic location: 8q24.22.
Variant type: single nucleotide variant.
Coding change: c.58A>T on transcript NM_003235.5 (MANE Select); coding-DNA position 58, A replaced by T.
Protein change: p.Asn20Tyr; replaces asparagine 20 with tyrosine.
Molecular consequence: missense variant.
Genome position (GRCh38, 1-based): chr8:132,867,058, A>T. VCF-style: chr8-132867058-A-T. GRCh37 (hg19) VCF-style: chr8-133879303-A-T.
Other names: short protein forms N20Y.
Identifiers: ClinVar variation 3368846 (VCV003368846.1).